The following is an entry in ClinVar:

NM_032199.3(ARID5B):c.2913G>A (p.Ser971=)

Gene: ARID5B (AT-rich interaction domain 5B; plus strand). Cytogenetic location: 10q21.2.
Variant type: single nucleotide variant.
Coding change: c.2913G>A on transcript NM_032199.3 (MANE Select); coding-DNA position 2913, G replaced by A.
Protein change: p.Ser971=; no amino-acid change (serine 971 retained).
Molecular consequence: synonymous variant.
Genome position (GRCh38, 1-based): chr10:62,092,376, G>A. VCF-style: chr10-62092376-G-A. GRCh37 (hg19) VCF-style: chr10-63852135-G-A.
Other names: c.2184G>A, p.Ser728= (NM_001244638.2).
Identifiers: ClinVar variation 783575 (VCV000783575.6), dbSNP rs61743750, ClinGen allele CA5515567.

ClinVar aggregate classification (germline): Benign. Review status: criteria provided, multiple submitters, no conflicts (2 of 4 stars). 3 submissions from 3 submitters: Benign (2). 1 of the submissions does not count toward it. Last evaluated 2018-05-18.

Conditions:
ARID5B-related disorder. Also called: ARID5B-related condition.

Allele frequency attached by ClinVar (database versions not stated): gnomAD 0.01053 and 0.01134; ExAC 0.00352; ESP Exome Variant Server 0.01230; 1000 Genomes Project 0.01178; 1000 Genomes Project 30x 0.01327; TOPMed 0.01229.
gnomAD v4.1: 3,208 of 1,614,114 alleles (0.2%); highest among the groups gnomAD compares: African/African-American, 3.6%; 52 homozygotes.

Submissions (3):

Labcorp Genetics (formerly Invitae), Labcorp
Classification: Benign. Last evaluated: 2018-05-18. Review status: criteria provided, single submitter. Criteria: Invitae Variant Classification Sherloc (09022015). Collection method: clinical testing. Allele origin: germline.

Breakthrough Genomics
Classification: Benign. Review status: criteria provided, single submitter. Criteria: ACMG Guidelines, 2015. Collection method: not provided. Allele origin: germline. Inheritance: Unknown mechanism. Affected: yes.

PreventionGenetics, part of Exact Sciences
Classification: Benign for ARID5B-related condition. Last evaluated: 2019-02-18. Review status: no assertion criteria provided. Collection method: clinical testing. Allele origin: germline. Not counted in ClinVar's aggregate classification.
Comment: This variant is classified as benign based on ACMG/AMP sequence variant interpretation guidelines (Richards et al. 2015 PMID: 25741868, with internal and published modifications).